The following is an entry in ClinVar:

ClinVar aggregate classification (germline): Benign. Review status: criteria provided, multiple submitters, no conflicts (2 of 4 stars). 5 submissions from 5 submitters: Benign (4). 1 of the submissions does not count toward it. Last evaluated 2026-02-01.

Allele frequency attached by ClinVar (database versions not stated): gnomAD 0.03976; 1000 Genomes Project 30x 0.04778; 1000 Genomes Project 0.04333; TOPMed 0.04629; ESP Exome Variant Server 0.05058.

Submissions (5):

Labcorp Genetics (formerly Invitae), Labcorp
Classification: Benign. Last evaluated: 2026-02-01. Review status: criteria provided, single submitter. Criteria: Invitae Variant Classification Sherloc (09022015). Collection method: clinical testing. Allele origin: germline.

GeneDx
Classification: Benign. Last evaluated: 2018-07-09. Review status: criteria provided, single submitter. Criteria: GeneDx Variant Classification Process June 2021. Collection method: clinical testing. Allele origin: germline. Affected: yes.

Breakthrough Genomics
Classification: Benign. Review status: criteria provided, single submitter. Criteria: ACMG Guidelines, 2015. Collection method: not provided. Allele origin: germline. Inheritance: Autosomal recessive inheritance. Affected: yes.

PreventionGenetics, part of Exact Sciences
Classification: Benign. Review status: criteria provided, single submitter. Criteria: ACMG Guidelines, 2015. Collection method: clinical testing. Allele origin: germline.

Genetic Services Laboratory, University of Chicago
Classification: Likely benign for AllHighlyPenetrant. Review status: no assertion criteria provided. Collection method: clinical testing. Allele origin: germline. Inheritance: Autosomal recessive inheritance. Not counted in ClinVar's aggregate classification.
Comment: Likely benign based on allele frequency in 1000 Genomes Project or ESP global frequency and its presence in a patient with a rare or unrelated disease phenotype. NOT Sanger confirmed.

NM_030928.4(CDT1):c.1500G>T (p.Leu500=)

Gene: CDT1 (chromatin licensing and DNA replication factor 1; plus strand). Cytogenetic location: 16q24.3.
Variant type: single nucleotide variant.
Coding change: c.1500G>T on transcript NM_030928.4 (MANE Select); coding-DNA position 1500, G replaced by T.
Protein change: p.Leu500=; no amino-acid change (leucine 500 retained).
Molecular consequence: synonymous variant.
Genome position (GRCh38, 1-based): chr16:88,808,137, G>T. VCF-style: chr16-88808137-G-T. GRCh37 (hg19) VCF-style: chr16-88874545-G-T.
Identifiers: ClinVar variation 128670 (VCV000128670.17), dbSNP rs3218720, ClinGen allele CA152260.